The following is an entry in ClinVar:

ClinVar aggregate classification (germline): Conflicting classifications of pathogenicity. Review status: criteria provided, conflicting classifications (1 of 4 stars). 2 submissions from 2 submitters: Uncertain significance (1); Likely benign (1). Last evaluated 2025-12-22.

Conditions:
Hypercholesterolemia, autosomal dominant, 3 (FHCL3). Also called: Familial Hypercholesterolemia, Autosomal Dominant, 3; PCSK9-Related Familial Hypercholesterolemia, Autosomal Dominant; Familial hypercholesterolemia 3. Identifiers: MedGen C1863551, MONDO:0011369, OMIM 603776.

Allele frequency attached by ClinVar (database versions not stated): gnomAD 0.00003; ExAC 0.00004.

Submissions (2):

Labcorp Genetics (formerly Invitae), Labcorp
Classification: Uncertain significance for Hypercholesterolemia, autosomal dominant, 3. Last evaluated: 2025-12-22. Review status: criteria provided, single submitter. Criteria: Invitae Variant Classification Sherloc (09022015). Collection method: clinical testing. Allele origin: germline.
Comment: This sequence change falls in intron 9 of the PCSK9 gene. It does not directly change the encoded amino acid sequence of the PCSK9 protein. The frequency data for this variant in the population databases is considered unreliable, as metrics indicate poor data quality at this position in the gnomAD database. This variant has not been reported in the literature in individuals affected with PCSK9-related conditions. ClinVar contains an entry for this variant (Variation ID: 3251784). Experimental studies and prediction algorithms are not available or were not evaluated, and the effect of this variant on mRNA splicing is currently unknown. In summary, the available evidence is currently insufficient to determine the role of this variant in disease. Therefore, it has been classified as a Variant of Uncertain Significance.

Women's Health and Genetics/Laboratory Corporation of America, LabCorp
Classification: Likely benign. Last evaluated: 2024-04-23. Review status: criteria provided, single submitter. Criteria: LabCorp Variant Classification Summary - May 2015. Collection method: clinical testing. Allele origin: germline.
Comment: Variant summary: PCSK9 c.1503+19_1503+32del14 alters a nucleotide located at a position not widely known to affect splicing. Consensus agreement among computation tools predict no significant impact on normal splicing. However, these predictions have yet to be confirmed by functional studies. The variant allele was found at a frequency of 9.8e-06 in 203204 control chromosomes (gnomAD). The available data on variant occurrences in the general population are insufficient to allow any conclusion about variant significance. To our knowledge, no occurrence of c.1503+19_1503+32del14 in individuals affected with Familial Hypercholesterolemia and no experimental evidence demonstrating its impact on protein function have been reported. No submitters have cited clinical-significance assessments for this variant to ClinVar. Based on the evidence outlined above, the variant was classified as likely benign.

NM_174936.4(PCSK9):c.1503+19_1503+32del

Gene: PCSK9 (proprotein convertase subtilisin/kexin type 9; plus strand). Cytogenetic location: 1p32.3.
Variant type: Deletion.
Coding change: c.1503+19_1503+32del on transcript NM_174936.4 (MANE Select); bases 19 to 32 of the intron after coding-DNA position 1503, 14 bases deleted (CGTGTGTGTGTGTG).
Molecular consequence: intron variant.
Genome position (GRCh38, 1-based): chr1:55,058,666-55,058,679, CGTGTGTGTGTGTG deleted. VCF-style (leftmost placement, unchanged base first): chr1-55058665-TCGTGTGTGTGTGTG-T. GRCh37 (hg19) VCF-style: chr1-55524338-TCGTGTGTGTGTGTG-T.
Other names: c.1128+19_1128+32del (NM_001407246.1); c.1626+19_1626+32del (NM_001407240.1); c.1506+19_1506+32del (NM_001407242.1); c.1503+19_1503+32del (NM_001407241.1); c.1329+19_1329+32del (NM_001407244.1); c.1180+1152_1180+1165del (NM_001407247.1); c.1446+19_1446+32del (NM_001407243.1); c.1311+19_1311+32del (NM_001407245.1); and 1 more.
Identifiers: ClinVar variation 3251784 (VCV003251784.2), dbSNP rs772331713.